The following is an entry in ClinVar:

NM_006206.6(PDGFRA):c.2696T>C (p.Met899Thr)

Gene: PDGFRA (platelet derived growth factor receptor alpha; plus strand). Cytogenetic location: 4q12.
Variant type: single nucleotide variant.
Coding change: c.2696T>C on transcript NM_006206.6 (MANE Select); coding-DNA position 2696, T replaced by C.
Protein change: p.Met899Thr; replaces methionine 899 with threonine.
Molecular consequence: missense variant.
Genome position (GRCh38, 1-based): chr4:54,288,820, T>C. VCF-style: chr4-54288820-T-C. GRCh37 (hg19) VCF-style: chr4-55154987-T-C.
Other names: c.2771T>C, p.Met924Thr (NM_001347828.2); c.2696T>C, p.Met899Thr (NM_001347829.2); c.2735T>C, p.Met912Thr (NM_001347830.2); short protein forms M899T, M924T, M912T.
Identifiers: ClinVar variation 1794853 (VCV001794853.3), dbSNP rs2475559264, ClinGen allele CA356895441.

ClinVar aggregate classification (germline): Uncertain significance. Review status: criteria provided, multiple submitters, no conflicts (2 of 4 stars). 2 submissions from 2 submitters: Uncertain significance (2). Last evaluated 2025-07-18.

Conditions:
Hereditary cancer-predisposing syndrome. Also called: Neoplastic Syndromes, Hereditary; Tumor predisposition; Hereditary Cancer Syndrome; Hereditary neoplastic syndrome. Identifiers: Orphanet 140162, MedGen C0027672, MeSH D009386, MONDO:0015356.
Gastrointestinal stromal tumor. Also called: Gastrointestinal stromal tumor, somatic; Gastrointestinal stroma tumor. Identifiers: Orphanet 44890, MedGen C0238198, MeSH D046152, MONDO:0011719, OMIM 606764, HP:0100723.

Submissions (2):

Labcorp Genetics (formerly Invitae), Labcorp
Classification: Uncertain significance for Gastrointestinal stromal tumor. Last evaluated: 2025-07-18. Review status: criteria provided, single submitter. Criteria: Invitae Variant Classification Sherloc (09022015). Collection method: clinical testing. Allele origin: germline.
Comment: This sequence change replaces methionine, which is neutral and non-polar, with threonine, which is neutral and polar, at codon 899 of the PDGFRA protein (p.Met899Thr). This variant is not present in population databases (gnomAD no frequency). This variant has not been reported in the literature in individuals affected with PDGFRA-related conditions. ClinVar contains an entry for this variant (Variation ID: 1794853). Invitae Evidence Modeling of protein sequence and biophysical properties (such as structural, functional, and spatial information, amino acid conservation, physicochemical variation, residue mobility, and thermodynamic stability) indicates that this missense variant is not expected to disrupt PDGFRA protein function with a negative predictive value of 80%. In summary, the available evidence is currently insufficient to determine the role of this variant in disease. Therefore, it has been classified as a Variant of Uncertain Significance.

Ambry Genetics
Classification: Uncertain significance for Hereditary cancer-predisposing syndrome. Last evaluated: 2023-11-23. Review status: criteria provided, single submitter. Criteria: Ambry Variant Classification Scheme 2023. Collection method: clinical testing. Allele origin: germline.
Comment: The p.M899T variant (also known as c.2696T>C), located in coding exon 19 of the PDGFRA gene, results from a T to C substitution at nucleotide position 2696. The methionine at codon 899 is replaced by threonine, an amino acid with similar properties. This amino acid position is conserved. In addition, this alteration is predicted to be deleterious by in silico analysis. Since supporting evidence is limited at this time, the clinical significance of this alteration remains unclear.